The following is an entry in ClinVar:

NM_177438.3(DICER1):c.3360T>C (p.Asn1120=)

Gene: DICER1 (dicer 1, ribonuclease III; minus strand). Cytogenetic location: 14q32.13.
Variant type: single nucleotide variant.
Coding change: c.3360T>C on transcript NM_177438.3 (MANE Select); coding-DNA position 3360, T replaced by C.
Protein change: p.Asn1120=; no amino-acid change (asparagine 1120 retained).
Molecular consequence: synonymous variant.
Genome position (GRCh38, 1-based): chr14:95,104,036, A>G on the plus strand (T>C on the coding strand, the complement: DICER1 is on the minus strand). VCF-style: chr14-95104036-A-G. GRCh37 (hg19) VCF-style: chr14-95570373-A-G.
Other names: c.3360T>C, p.Asn1120= (NM_001195573.1, NM_001271282.3, NM_001291628.2 and 1 more transcripts).
Identifiers: ClinVar variation 706932 (VCV000706932.17), dbSNP rs1595367570, ClinGen allele CA487844666.

ClinVar aggregate classification (germline): Benign/Likely benign. Review status: criteria provided, multiple submitters, no conflicts (2 of 4 stars). 3 submissions from 3 submitters: Benign (1); Likely benign (2). Last evaluated 2026-04-17.

Conditions:
DICER1-related tumor predisposition. Also called: DICER1-related pleuropulmonary blastoma cancer predisposition syndrome; DICER1 syndrome. Identifiers: Orphanet 284343, MedGen C3839822, MONDO:0100216.
Hereditary cancer-predisposing syndrome. Also called: Hereditary Cancer Syndrome; Hereditary neoplastic syndrome; Neoplastic Syndromes, Hereditary; Tumor predisposition. Identifiers: Orphanet 140162, MedGen C0027672, MeSH D009386, MONDO:0015356.

Allele frequency attached by ClinVar (database versions not stated): TOPMed below 0.00001; gnomAD 0.00001; gnomAD exomes 0.00001.
gnomAD v4.1: 8 of 1,614,028 alleles (0.0005%); highest among the groups gnomAD compares: Admixed American, 0.013%; no homozygotes.

Submissions (3):

Myriad Genetics, Inc.
Classification: Benign for DICER1-related tumor predisposition. Last evaluated: 2026-04-17. Review status: criteria provided, single submitter. Criteria: Myriad Autosomal Dominant, Autosomal Recessive and X-Linked Classification Criteria (2023). Collection method: clinical testing. Allele origin: unknown.
Comment: This variant is considered benign. This variant is a silent/synonymous amino acid change and it is not expected to impact splicing.

Labcorp Genetics (formerly Invitae), Labcorp
Classification: Likely benign for DICER1-related tumor predisposition. Last evaluated: 2026-01-08. Review status: criteria provided, single submitter. Criteria: Invitae Variant Classification Sherloc (09022015). Collection method: clinical testing. Allele origin: germline.

Ambry Genetics
Classification: Likely benign for Hereditary cancer-predisposing syndrome. Last evaluated: 2017-05-18. Review status: criteria provided, single submitter. Criteria: Ambry Variant Classification Scheme 2023. Collection method: clinical testing. Allele origin: germline.